The following is an entry in ClinVar:

NM_014874.4(MFN2):c.2256C>A (p.Tyr752Ter)

Gene: MFN2 (mitofusin 2; plus strand). Cytogenetic location: 1p36.22.
Variant type: single nucleotide variant.
Coding change: c.2256C>A on transcript NM_014874.4 (MANE Select); coding-DNA position 2256, C replaced by A.
Protein change: p.Tyr752Ter; replaces tyrosine 752 with a stop codon.
Molecular consequence: nonsense.
Genome position (GRCh38, 1-based): chr1:12,011,547, C>A. VCF-style: chr1-12011547-C-A. GRCh37 (hg19) VCF-style: chr1-12071604-C-A.
Other names: c.2256C>A, p.Tyr752Ter (NM_001127660.2); short protein forms Y752*.
Identifiers: ClinVar variation 217162 (VCV000217162.45), dbSNP rs863224968, ClinGen allele CA279072.

ClinVar aggregate classification (germline): Pathogenic. Review status: criteria provided, multiple submitters, no conflicts (2 of 4 stars). 3 submissions from 3 submitters: Pathogenic (3). Last evaluated 2024-08-06.

Conditions:
Charcot-Marie-Tooth disease type 2. Also called: Charcot-Marie-Tooth type 2. Identifiers: Orphanet 64746, MedGen C0270914, MONDO:0018993.
Charcot-Marie-Tooth disease type 2A2. Also called: CHARCOT-MARIE-TOOTH DISEASE, AXONAL, AUTOSOMAL DOMINANT, TYPE 2A2A; CHARCOT-MARIE-TOOTH DISEASE, NEURONAL, TYPE 2A2; HEREDITARY MOTOR AND SENSORY NEUROPATHY IIA2; HMSN IIA2; CHARCOT-MARIE-TOOTH DISEASE, AXONAL, TYPE 2A2; Charcot-Marie-Tooth Neuropathy Type 2A2. Identifiers: Orphanet 99947, MedGen C4721887, MONDO:0012231, OMIM 609260.

Submissions (3):

Labcorp Genetics (formerly Invitae), Labcorp
Classification: Pathogenic for Charcot-Marie-Tooth disease type 2. Last evaluated: 2024-08-06. Review status: criteria provided, single submitter. Criteria: Invitae Variant Classification Sherloc (09022015). Collection method: clinical testing. Allele origin: germline.
Comment: This sequence change creates a premature translational stop signal (p.Tyr752*) in the MFN2 gene. While this is not anticipated to result in nonsense mediated decay, it is expected to disrupt the last 6 amino acid(s) of the MFN2 protein. This variant is not present in population databases (gnomAD no frequency). This premature translational stop signal has been observed in individual(s) with Charcot-Marie-Tooth disease (PMID: 21508331, 34721278; Invitae). In at least one individual the variant was observed to be de novo. ClinVar contains an entry for this variant (Variation ID: 217162). For these reasons, this variant has been classified as Pathogenic.

CeGaT Center for Human Genetics Tuebingen
Classification: Pathogenic. Last evaluated: 2019-07-01. Review status: criteria provided, single submitter. Criteria: CeGaT Center For Human Genetics Tuebingen Variant Classification Criteria Version 2. Collection method: clinical testing. Allele origin: germline. Affected: yes. Observed: 1 variant allele.

Athena Diagnostics
Classification: Pathogenic for Charcot-Marie-Tooth disease, type 2A2. Last evaluated: 2015-08-20. Review status: criteria provided, single submitter. Criteria: Athena Diagnostics Criteria. Collection method: clinical testing. Allele origin: germline. Inheritance: Autosomal dominant inheritance.

Literature cited by the submitters: PubMed 21508331 (cited by Labcorp Genetics (formerly Invitae), Labcorp and Athena Diagnostics); PubMed 34721278 (cited by Labcorp Genetics (formerly Invitae), Labcorp).